The following is an entry in ClinVar:

ClinVar aggregate classification (germline): Uncertain significance. Review status: criteria provided, multiple submitters, no conflicts (2 of 4 stars). 2 submissions from 2 submitters: Uncertain significance (2). Last evaluated 2025-08-20.

Conditions:
Inborn genetic diseases. Identifiers: MedGen C0950123, MeSH D030342.
SPECC1L-related disorder. Also called: SPECC1L-related condition.

gnomAD v4.1: 8 of 1,614,008 alleles (0.0005%); highest among the groups gnomAD compares: South Asian, 0.0022%; no homozygotes.

Submissions (2):

Ambry Genetics
Classification: Uncertain significance for Inborn genetic diseases. Last evaluated: 2025-08-20. Review status: criteria provided, single submitter. Criteria: Ambry Variant Classification Scheme 2023. Collection method: clinical testing. Allele origin: germline.

PreventionGenetics, part of Exact Sciences
Classification: Uncertain significance for SPECC1L-related condition. Last evaluated: 2025-08-08. Review status: criteria provided, single submitter. Criteria: ACMG Guidelines, 2015. Collection method: clinical testing. Allele origin: germline.
Comment: The SPECC1L c.2417G>A variant is predicted to result in the amino acid substitution p.Arg806Gln. To our knowledge, this variant has not been reported in the literature. This variant is reported in 0.0033% of alleles in individuals of South Asian descent in gnomAD. At this time, the clinical significance of this variant is uncertain due to the absence of conclusive functional and genetic evidence.

NM_015330.6(SPECC1L):c.2417G>A (p.Arg806Gln)

Genes: SPECC1L (sperm antigen with calponin homology and coiled-coil domains 1 like; plus strand), SPECC1L-ADORA2A (SPECC1L-ADORA2A readthrough (NMD candidate); plus strand). Cytogenetic location: 22q11.23.
Variant type: single nucleotide variant.
Coding change: c.2417G>A on transcript NM_015330.6 (MANE Select); coding-DNA position 2417, G replaced by A.
Protein change: p.Arg806Gln; replaces arginine 806 with glutamine.
Molecular consequence: missense variant. On other transcripts: non-coding transcript variant (1).
Genome position (GRCh38, 1-based): chr22:24,334,430, G>A. VCF-style: chr22-24334430-G-A. GRCh37 (hg19) VCF-style: chr22-24730398-G-A.
Other names: c.2417G>A (NM_015330.4); c.2417G>A, p.Arg806Gln (NM_001145468.4, NM_001254732.3); short protein forms R806Q.
Identifiers: ClinVar variation 4173335 (VCV004173335.2).
Genomic context (GRCh38, chr22:24,334,430, plus strand): 5'-TACCTATGTAAAAATGCTCTGATTTCAATATTATTTTCAGGCAAGAGGAGGAGCGAGGCC[G>A]GGTATACAATTACATGAATGCCGTTGAGAGAGATTTGGCAGCCTTAAGGCAGGGAATGGG-3'
Protein context (NP_056145.5, residues 796-816): KSRKQEEERG[Arg806Gln]VYNYMNAVER